The following is an entry in ClinVar:

ClinVar aggregate classification (germline): Uncertain significance. Review status: criteria provided, multiple submitters, no conflicts (2 of 4 stars). 2 submissions from 2 submitters: Uncertain significance (2). Last evaluated 2023-12-06.

Conditions:
Mitochondrial DNA depletion syndrome 9 (MTDPS9). Also called: SUCLG1-Related Mitochondrial DNA Depletion Syndrome, Encephalomyopathic Form with Methylmalonic Aciduria. Identifiers: Orphanet 17, MedGen C3151476, MONDO:0009504, OMIM 245400.

Allele frequency attached by ClinVar (database versions not stated): gnomAD 0.00003; TOPMed 0.00003; ESP Exome Variant Server 0.00008.

Submissions (2):

Labcorp Genetics (formerly Invitae), Labcorp
Classification: Uncertain significance for Mitochondrial DNA depletion syndrome 9. Last evaluated: 2023-12-06. Review status: criteria provided, single submitter. Criteria: Invitae Variant Classification Sherloc (09022015). Collection method: clinical testing. Allele origin: germline.
Comment: This sequence change replaces arginine, which is basic and polar, with histidine, which is basic and polar, at codon 161 of the SUCLG1 protein (p.Arg161His). This variant is present in population databases (rs146551543, gnomAD 0.01%). This variant has not been reported in the literature in individuals affected with SUCLG1-related conditions. ClinVar contains an entry for this variant (Variation ID: 1064157). Algorithms developed to predict the effect of missense changes on protein structure and function output the following: SIFT: "Not Available"; PolyPhen-2: "Benign"; Align-GVGD: "Not Available". The histidine amino acid residue is found in multiple mammalian species, which suggests that this missense change does not adversely affect protein function. In summary, the available evidence is currently insufficient to determine the role of this variant in disease. Therefore, it has been classified as a Variant of Uncertain Significance.

GeneDx
Classification: Uncertain significance. Last evaluated: 2022-01-07. Review status: criteria provided, single submitter. Criteria: GeneDx Variant Classification Process June 2021. Collection method: clinical testing. Allele origin: germline. Affected: yes.
Comment: Not observed at significant frequency in large population cohorts (gnomAD); In silico analysis supports that this missense variant does not alter protein structure/function; Has not been previously published as pathogenic or benign to our knowledge

NM_003849.4(SUCLG1):c.482G>A (p.Arg161His)

Gene: SUCLG1 (succinate-CoA ligase GDP/ADP-forming subunit alpha; minus strand). Cytogenetic location: 2p11.2.
Variant type: single nucleotide variant.
Coding change: c.482G>A on transcript NM_003849.4 (MANE Select); coding-DNA position 482, G replaced by A.
Protein change: p.Arg161His; replaces arginine 161 with histidine.
Molecular consequence: missense variant.
Genome position (GRCh38, 1-based): chr2:84,441,296, C>T on the plus strand (G>A on the coding strand, the complement: SUCLG1 is on the minus strand). VCF-style: chr2-84441296-C-T. GRCh37 (hg19) VCF-style: chr2-84668420-C-T.
Other names: short protein forms R161H.
Identifiers: ClinVar variation 1064157 (VCV001064157.7), dbSNP rs146551543, ClinGen allele CA1736303.